The following is an entry in ClinVar:

ClinVar aggregate classification (germline): Uncertain significance (1 of 4 stars; one submission).

Conditions:
Intellectual disability. Also called: intellectual disabilities; Intellectual developmental disorder; Intellectual functioning disability. Identifiers: MedGen C3714756, MeSH D008607, MONDO:0001071, HP:0001249.

Submission:

Labcorp Genetics (formerly Invitae), Labcorp
Classification: Uncertain significance for Intellectual disability. Last evaluated: 2018-12-13. Review status: criteria provided, single submitter. Criteria: Invitae Variant Classification Sherloc (09022015). Collection method: clinical testing. Allele origin: germline.
Comment: This sequence change creates a premature translational stop signal (p.Gly8Alafs*10) in the GABRB2 gene. It is expected to result in an absent or disrupted protein product. This variant is not present in population databases (ExAC no frequency). This variant has not been reported in the literature in individuals with GABRB2-related conditions. The current clinical and genetic evidence is not sufficient to establish whether loss-of-function variants in GABRB2 cause disease. In summary, the available evidence is currently insufficient to determine the role of this variant in disease. Therefore, it has been classified as a Variant of Uncertain Significance.

NM_001371727.1(GABRB2):c.23del (p.Gly8fs)

Gene: GABRB2 (gamma-aminobutyric acid type A receptor subunit beta2; minus strand). Cytogenetic location: 5q34.
Variant type: Deletion.
Coding change: c.23del on transcript NM_001371727.1 (MANE Select); coding-DNA position 23, one base deleted (G; older notation c.23delG).
Protein change: p.Gly8fs; shifts the reading frame from glycine 8.
Molecular consequence: frameshift variant.
Genome position (GRCh38, 1-based): chr5:161,546,621, C deleted on the plus strand (G on the coding strand, the reverse complement: GABRB2 is on the minus strand); the first of 4 consecutive C bases (chr5:161,546,621-161,546,624); deleting any one gives the same sequence. VCF-style (leftmost placement, unchanged base first): chr5-161546620-GC-G. GRCh37 (hg19) VCF-style: chr5-160973626-GC-G.
Other names: c.23delG (NM_021911.2); c.23del, p.Gly8fs (NM_000813.3, NM_021911.3); short protein forms G8fs.
Identifiers: ClinVar variation 648268 (VCV000648268.2), dbSNP rs1581075690, ClinGen allele CA915942691.
Genomic context (GRCh38, chr5:161,546,620, plus strand): 5'-CACTTACCTCTGCGCACAGACAGCGGCGATTATTAAGGGGAAGGACCAAATCCCAAAGTA[GC>G]CCCTTTTCCGCACTCTCCACATCCCTTTAGTTTTTGATGGAATTGAGGGTTTCACTGAAG-3'